The following is an entry in ClinVar:

ClinVar aggregate classification (germline): Uncertain significance (1 of 4 stars; one submission).

Submission:

GeneDx
Classification: Uncertain significance. Last evaluated: 2025-12-26. Review status: criteria provided, single submitter. Criteria: GeneDx Variant Classification Process June 2021. Collection method: clinical testing. Allele origin: germline.
Comment: Not observed at significant frequency in large population cohorts (gnomAD); Has not been previously published as pathogenic or benign to our knowledge; In silico analysis is inconclusive as to whether the variant alters gene splicing. In the absence of RNA/functional studies, the actual effect of this sequence change is unknown.

NM_015030.2(FRYL):c.5279+4A>G

Gene: FRYL (FRY like transcription coactivator; minus strand). Cytogenetic location: 4p11.
Variant type: single nucleotide variant.
Coding change: c.5279+4A>G on transcript NM_015030.2 (MANE Select); 4 bases into the intron after coding-DNA position 5279, A replaced by G.
Molecular consequence: intron variant.
Genome position (GRCh38, 1-based): chr4:48,546,063, T>C on the plus strand (A>G on the coding strand, the complement: FRYL is on the minus strand). VCF-style: chr4-48546063-T-C. GRCh37 (hg19) VCF-style: chr4-48548080-T-C.
Identifiers: ClinVar variation 3391620 (VCV003391620.2).